The following is an entry in ClinVar:

ClinVar aggregate classification (germline): Uncertain significance (1 of 4 stars; one submission).

Conditions:
Familial adenomatous polyposis 1 (FAP1). Also called: FAMILIAL ADENOMATOUS POLYPOSIS 1, ATTENUATED; POLYPOSIS, ADENOMATOUS INTESTINAL. Identifiers: MedGen C2713442, MONDO:0021056, OMIM 175100. Disease mechanism: loss of function.

Submission:

Labcorp Genetics (formerly Invitae), Labcorp
Classification: Uncertain significance for Familial adenomatous polyposis 1. Last evaluated: 2026-01-16. Review status: criteria provided, single submitter. Criteria: Invitae Variant Classification Sherloc (09022015). Collection method: clinical testing. Allele origin: germline.
Comment: This sequence change replaces tryptophan, which is neutral and slightly polar, with arginine, which is basic and polar, at codon 2547 of the APC protein (p.Trp2547Arg). This variant is not present in population databases (gnomAD no frequency). This variant has not been reported in the literature in individuals affected with APC-related conditions. ClinVar contains an entry for this variant (Variation ID: 579380). Invitae Evidence Modeling of protein sequence and biophysical properties (such as structural, functional, and spatial information, amino acid conservation, physicochemical variation, residue mobility, and thermodynamic stability) indicates that this missense variant is not expected to disrupt APC protein function with a negative predictive value of 95%. In summary, the available evidence is currently insufficient to determine the role of this variant in disease. Therefore, it has been classified as a Variant of Uncertain Significance.

NM_000038.6(APC):c.7639T>A (p.Trp2547Arg)

Gene: APC (APC regulator of Wnt signaling pathway; plus strand). Cytogenetic location: 5q22.2.
Variant type: single nucleotide variant.
Coding change: c.7639T>A on transcript NM_000038.6 (MANE Select); coding-DNA position 7639, T replaced by A.
Protein change: p.Trp2547Arg; replaces tryptophan 2547 with arginine.
Molecular consequence: missense variant.
Genome position (GRCh38, 1-based): chr5:112,843,233, T>A. VCF-style: chr5-112843233-T-A. GRCh37 (hg19) VCF-style: chr5-112178930-T-A.
Other names: c.7639T>A, p.Trp2547Arg (NM_001127510.3, NM_001354895.2); c.7585T>A, p.Trp2529Arg (NM_001127511.3); c.7693T>A, p.Trp2565Arg (NM_001354896.2); c.7669T>A, p.Trp2557Arg (NM_001354897.2); c.7564T>A, p.Trp2522Arg (NM_001354898.2); c.7555T>A, p.Trp2519Arg (NM_001354899.2); c.7516T>A, p.Trp2506Arg (NM_001354900.2); c.7462T>A, p.Trp2488Arg (NM_001354901.2); and 5 more; short protein forms W2547R, W2529R, W2264R, W2519R, W2522R, W2557R, W2421R, W2488R.
Identifiers: ClinVar variation 579380 (VCV000579380.13), dbSNP rs1476294154, ClinGen allele CA16037921.